The following is an entry in ClinVar:

NM_012431.3(SEMA3E):c.5C>T (p.Ala2Val)

Gene: SEMA3E (semaphorin 3E; minus strand). Cytogenetic location: 7q21.11.
Variant type: single nucleotide variant.
Coding change: c.5C>T on transcript NM_012431.3 (MANE Select); coding-DNA position 5, C replaced by T.
Protein change: p.Ala2Val; replaces alanine 2 with valine.
Molecular consequence: missense variant.
Genome position (GRCh38, 1-based): chr7:83,648,538, G>A on the plus strand (C>T on the coding strand, the complement: SEMA3E is on the minus strand). VCF-style: chr7-83648538-G-A. GRCh37 (hg19) VCF-style: chr7-83277854-G-A.
Other names: short protein forms A2V.
Identifiers: ClinVar variation 2415043 (VCV002415043.6), dbSNP rs763295904, ClinGen allele CA368021322.
Genomic context (GRCh38, chr7:83,648,538, plus strand): 5'-CCTGTCCAAAGCTCCAGTAAGTAACCCCACAGGAGCAAGGTGATAATGTGCCCCGCGGAT[G>A]CCATGCTGCCGTGTTCACCGTCCAAGCCCTCGCTCCTCACTTTAAGGAGGGTCTGAGTTT-3'
Protein context (NP_036563.1, residues 1-12): M[Ala2Val]SAGHIITLLL

ClinVar aggregate classification (germline): Uncertain significance (1 of 4 stars; one submission).

Conditions:
CHARGE syndrome (CHARGE). Also called: Hittner Hirsch Kreh syndrome; CHARGE ASSOCIATION--COLOBOMA, HEART ANOMALY, CHOANAL ATRESIA, RETARDATION, GENITAL AND EAR ANOMALIES; Coloboma, heart anomaly, choanal atresia, retardation, genital and ear anomalies; CHARGE association; Hall-Hittner syndrome. Identifiers: Orphanet 138, MedGen C0265354, MONDO:0008965.

Submission:

Labcorp Genetics (formerly Invitae), Labcorp
Classification: Uncertain significance for CHARGE syndrome. Last evaluated: 2022-01-31. Review status: criteria provided, single submitter. Criteria: Invitae Variant Classification Sherloc (09022015). Collection method: clinical testing. Allele origin: germline.
Comment: In summary, the available evidence is currently insufficient to determine the role of this variant in disease. Therefore, it has been classified as a Variant of Uncertain Significance. Algorithms developed to predict the effect of sequence changes on RNA splicing suggest that this variant may create or strengthen a splice site. Algorithms developed to predict the effect of missense changes on protein structure and function are either unavailable or do not agree on the potential impact of this missense change (SIFT: "Deleterious"; PolyPhen-2: "Probably Damaging"; Align-GVGD: "Class C0"). This variant has not been reported in the literature in individuals affected with SEMA3E-related conditions. This variant is not present in population databases (gnomAD no frequency). This sequence change replaces alanine, which is neutral and non-polar, with valine, which is neutral and non-polar, at codon 2 of the SEMA3E protein (p.Ala2Val).